The following is an entry in ClinVar:

ClinVar aggregate classification (germline): Uncertain significance (1 of 4 stars; one submission).

Submission:

Ambry Genetics
Classification: Uncertain significance. Last evaluated: 2025-04-13. Review status: criteria provided, single submitter. Criteria: Ambry Variant Classification Scheme 2023. Collection method: clinical testing. Allele origin: germline.
Comment: The p.P571L variant (also known as c.1712C>T), located in coding exon 2 of the CDK12 gene, results from a C to T substitution at nucleotide position 1712. The proline at codon 571 is replaced by leucine, an amino acid with similar properties. This amino acid position is conserved. In addition, this alteration is predicted to be tolerated by in silico analysis. Based on the available evidence, the clinical significance of this variant remains unclear.

NM_016507.4(CDK12):c.1712C>T (p.Pro571Leu)

Gene: CDK12 (cyclin dependent kinase 12; plus strand). Cytogenetic location: 17q12.
Variant type: single nucleotide variant.
Coding change: c.1712C>T on transcript NM_016507.4 (MANE Select); coding-DNA position 1712, C replaced by T.
Protein change: p.Pro571Leu; replaces proline 571 with leucine.
Molecular consequence: missense variant.
Genome position (GRCh38, 1-based): chr17:39,471,544, C>T. VCF-style: chr17-39471544-C-T. GRCh37 (hg19) VCF-style: chr17-37627797-C-T.
Other names: c.1712C>T, p.Pro571Leu (NM_015083.4); short protein forms P571L.
Identifiers: ClinVar variation 3999351 (VCV003999351.1).